The following is an entry in ClinVar:

NM_001035.3(RYR2):c.4822G>C (p.Val1608Leu)

Gene: RYR2 (ryanodine receptor 2; plus strand). Cytogenetic location: 1q43.
Variant type: single nucleotide variant.
Coding change: c.4822G>C on transcript NM_001035.3 (MANE Select); coding-DNA position 4822, G replaced by C.
Protein change: p.Val1608Leu; replaces valine 1608 with leucine.
Molecular consequence: missense variant.
Genome position (GRCh38, 1-based): chr1:237,610,900, G>C. VCF-style: chr1-237610900-G-C. GRCh37 (hg19) VCF-style: chr1-237774200-G-C.
Other names: short protein forms V1608L.
Identifiers: ClinVar variation 926236 (VCV000926236.17), dbSNP rs1677780778, ClinGen allele CA345402704.

ClinVar aggregate classification (germline): Uncertain significance. Review status: criteria provided, multiple submitters, no conflicts (2 of 4 stars). 4 submissions from 4 submitters: Uncertain significance (4). Last evaluated 2026-01-06.

Conditions:
Cardiomyopathy (CMYO). Also called: Cardiomyopathies. Identifiers: Orphanet 167848, MedGen C0878544, MONDO:0004994, HP:0001638. Inheritance: Various modes of inheritance.
Cardiovascular phenotype. Identifiers: MedGen CN230736.
Catecholaminergic polymorphic ventricular tachycardia (CVPT). Also called: Catecholamine-induced polymorphic ventricular tachycardia. Identifiers: Orphanet 3286, MedGen C5574922, MONDO:0017990.
Catecholaminergic polymorphic ventricular tachycardia 1. Also called: VENTRICULAR TACHYCARDIA, STRESS-INDUCED POLYMORPHIC 1; VENTRICULAR TACHYCARDIA, CATECHOLAMINERGIC POLYMORPHIC, 1, WITH OR WITHOUT ATRIAL DYSFUNCTION AND/OR DILATED CARDIOMYOPATHY; RYR2-Related Catecholaminergic Polymorphic Ventricular Tachycardia. Identifiers: Orphanet 3286, MedGen C1631597, MONDO:0011484, OMIM 604772.

Submissions (4):

Ambry Genetics
Classification: Uncertain significance for Cardiovascular phenotype. Last evaluated: 2026-01-06. Review status: criteria provided, single submitter. Criteria: Ambry Variant Classification Scheme 2023. Collection method: clinical testing. Allele origin: germline.
Comment: The p.V1608L variant (also known as c.4822G>C), located in coding exon 36 of the RYR2 gene, results from a G to C substitution at nucleotide position 4822. The valine at codon 1608 is replaced by leucine, an amino acid with highly similar properties. This amino acid position is conserved. In addition, the in silico prediction for this alteration is inconclusive. Based on the available evidence, the clinical significance of this variant remains unclear.

Color Diagnostics, LLC DBA Color Health
Classification: Uncertain significance for Cardiomyopathy. Last evaluated: 2025-11-17. Review status: criteria provided, single submitter. Criteria: ACMG Guidelines, 2015. Collection method: clinical testing. Allele origin: germline.
Comment: Variant of Uncertain Significance due to insufficient evidence: This missense variant is located in the cytoplasmic PP2A phosphatase-binding domain of the RYR2 protein. Computational prediction tools and conservation analyses are inconclusive regarding the impact of this variant on the protein function. Computational splicing tools suggest that this variant may not impact RNA splicing. To our knowledge, functional assays have not been performed for this variant nor has this variant been reported in individuals affected with cardiovascular disorders in the literature. This variant is rare in the general population and has been identified in 0/277264 chromosomes by the Genome Aggregation Database (gnomAD). Available evidence is insufficient to determine the pathogenicity of this variant conclusively.

All of Us Research Program, National Institutes of Health
Classification: Uncertain significance for Catecholaminergic polymorphic ventricular tachycardia. Last evaluated: 2024-01-11. Review status: criteria provided, single submitter. Criteria: ACMG Guidelines, 2015. Collection method: clinical testing. Allele origin: germline. Inheritance: Autosomal dominant inheritance. Observed: 1 variant allele, 1 heterozygote.
Comment: Variant of Uncertain Significance due to insufficient evidence: This missense variant is located in the cytoplasmic PP2A phosphatase-binding domain of the RYR2 protein. Computational prediction tools and conservation analyses are inconclusive regarding the impact of this variant on the protein function. Computational splicing tools suggest that this variant may not impact RNA splicing. To our knowledge, functional assays have not been performed for this variant nor has this variant been reported in individuals affected with cardiovascular disorders in the literature. This variant is rare in the general population and has been identified in 0/277264 chromosomes by the Genome Aggregation Database (gnomAD). Available evidence is insufficient to determine the pathogenicity of this variant conclusively.

This study involves interpretation of variants in research participants for the purpose of population health screening. Participant phenotype was not available at the time of variant classification. Additional details can be found in publication PMID: 35346344, PMCID: PMC8962531

Labcorp Genetics (formerly Invitae), Labcorp
Classification: Uncertain significance for Catecholaminergic polymorphic ventricular tachycardia 1. Last evaluated: 2019-08-23. Review status: criteria provided, single submitter. Criteria: Invitae Variant Classification Sherloc (09022015). Collection method: clinical testing. Allele origin: germline.
Comment: Algorithms developed to predict the effect of missense changes on protein structure and function are either unavailable or do not agree on the potential impact of this missense change (SIFT: "Deleterious"; PolyPhen-2: "Benign"; Align-GVGD: "Class C25"). This variant has not been reported in the literature in individuals with RYR2-related conditions. This variant is not present in population databases (ExAC no frequency). This sequence change replaces valine with leucine at codon 1608 of the RYR2 protein (p.Val1608Leu). The valine residue is highly conserved and there is a small physicochemical difference between valine and leucine. In summary, the available evidence is currently insufficient to determine the role of this variant in disease. Therefore, it has been classified as a Variant of Uncertain Significance.